The following is an entry in ClinVar:

NM_000059.4(BRCA2):c.6319C>A (p.Pro2107Thr)

Gene: BRCA2 (BRCA2 DNA repair associated; plus strand). Cytogenetic location: 13q13.1.
Variant type: single nucleotide variant.
Coding change: c.6319C>A on transcript NM_000059.4 (MANE Select); coding-DNA position 6319, C replaced by A.
Protein change: p.Pro2107Thr; replaces proline 2107 with threonine.
Molecular consequence: missense variant.
Genome position (GRCh38, 1-based): chr13:32,340,674, C>A. VCF-style: chr13-32340674-C-A. GRCh37 (hg19) VCF-style: chr13-32914811-C-A.
Other names: short protein forms P2107T.
Identifiers: ClinVar variation 660417 (VCV000660417.19), dbSNP rs1593908231, ClinGen allele CA387789060.

ClinVar aggregate classification (germline): Conflicting classifications of pathogenicity. Review status: criteria provided, conflicting classifications (1 of 4 stars). 6 submissions from 6 submitters: Uncertain significance (5); Likely benign (1). Last evaluated 2025-03-10.

Conditions:
Hereditary cancer-predisposing syndrome. Also called: Hereditary neoplastic syndrome; Neoplastic Syndromes, Hereditary; Hereditary Cancer Syndrome; Tumor predisposition. Identifiers: Orphanet 140162, MedGen C0027672, MeSH D009386, MONDO:0015356.
Hereditary breast ovarian cancer syndrome. Also called: BRCA1- and BRCA2-Associated Hereditary Breast and Ovarian Cancer; Hereditary breast and ovarian cancer syndrome; Hereditary breast and ovarian cancer syndrome (HBOC); Hereditary breast and/or ovarian cancer syndrome; Breast and ovarian cancer; Hereditary breast and ovarian cancer. Identifiers: Orphanet 145, MedGen C0677776, MeSH D061325, MONDO:0003582. Disease mechanism: loss of function.

Submissions (6):

Color Diagnostics, LLC DBA Color Health
Classification: Uncertain significance for Hereditary cancer-predisposing syndrome. Last evaluated: 2025-03-10. Review status: criteria provided, single submitter. Criteria: ACMG Guidelines, 2015. Collection method: clinical testing. Allele origin: germline.
Comment: This missense variant replaces proline with threonine at codon 2107 of the BRCA2 protein. Computational prediction suggests that this variant may not impact protein structure and function. To our knowledge, functional studies have not been reported for this variant. This variant has been detected in a breast cancer case-control meta-analysis in 0/60466 cases and 1/53461 unaffected individuals (PMID: 33471991; Leiden Open Variation Database DB-ID BRCA2_008439). This variant has not been identified in the general population by the Genome Aggregation Database (gnomAD). The available evidence is insufficient to determine the role of this variant in disease conclusively. Therefore, this variant is classified as a Variant of Uncertain Significance.

Ambry Genetics
Classification: Uncertain significance for Hereditary cancer-predisposing syndrome. Last evaluated: 2024-07-08. Review status: criteria provided, single submitter. Criteria: Ambry Variant Classification Scheme 2023. Collection method: clinical testing. Allele origin: germline.
Comment: The p.P2107T variant (also known as c.6319C>A), located in coding exon 10 of the BRCA2 gene, results from a C to A substitution at nucleotide position 6319. The proline at codon 2107 is replaced by threonine, an amino acid with highly similar properties. This amino acid position is conserved. In addition, this alteration is predicted to be tolerated by in silico analysis. Since supporting evidence is limited at this time, the clinical significance of this alteration remains unclear.

Labcorp Genetics (formerly Invitae), Labcorp
Classification: Uncertain significance for Hereditary breast ovarian cancer syndrome. Last evaluated: 2023-07-19. Review status: criteria provided, single submitter. Criteria: Invitae Variant Classification Sherloc (09022015). Collection method: clinical testing. Allele origin: germline.
Comment: This sequence change replaces proline, which is neutral and non-polar, with threonine, which is neutral and polar, at codon 2107 of the BRCA2 protein (p.Pro2107Thr). This variant is not present in population databases (gnomAD no frequency). This variant has not been reported in the literature in individuals affected with BRCA2-related conditions. ClinVar contains an entry for this variant (Variation ID: 660417). Advanced modeling of protein sequence and biophysical properties (such as structural, functional, and spatial information, amino acid conservation, physicochemical variation, residue mobility, and thermodynamic stability) performed at Invitae indicates that this missense variant is not expected to disrupt BRCA2 protein function. In summary, the available evidence is currently insufficient to determine the role of this variant in disease. Therefore, it has been classified as a Variant of Uncertain Significance.

Quest Diagnostics Nichols Institute San Juan Capistrano
Classification: Uncertain significance. Last evaluated: 2023-05-04. Review status: criteria provided, single submitter. Criteria: Quest Diagnostics criteria. Collection method: clinical testing. Allele origin: unknown.
Comment: It has not been reported in large, multi-ethnic general populations. In a breast cancer case-control study, this variant has only been detected in an unaffected control individual (PMID: 33471991 (2021)). The variant has also been reported as a somatic variant in an individual with ovarian cancer (PMID: 34302857 (2021)). Analysis of this variant using bioinformatics tools for the prediction of the effect of amino acid changes on protein structure and function yielded predictions that this variant is benign. Based on the available information, we are unable to determine the clinical significance of this variant.

University of Washington Department of Laboratory Medicine, University of Washington
Classification: Likely benign for Hereditary cancer-predisposing syndrome. Last evaluated: 2023-03-23. Review status: criteria provided, single submitter. Criteria: Dines et al. (Genet Med. 2020). Collection method: curation. Allele origin: germline.
Comment: Missense variant in a coldspot region where missense variants are very unlikely to be pathogenic (PMID:31911673).

BRCA2 exon 11 coldspot. Reclassification based on statistical prior probability.

GeneDx
Classification: Uncertain significance. Last evaluated: 2019-05-09. Review status: criteria provided, single submitter. Criteria: GeneDx Variant Classification Process June 2021. Collection method: clinical testing. Allele origin: germline. Affected: yes.
Comment: Not observed at a significant frequency in large population cohorts (Lek et al., 2016); In silico analysis, which includes protein predictors and evolutionary conservation, supports that this variant does not alter protein structure/function; Has not been previously published as pathogenic or benign to our knowledge

Literature cited by the submitters: PubMed 33471991 (cited by Color Diagnostics, LLC DBA Color Health and Quest Diagnostics Nichols Institute San Juan Capistrano); PubMed 31911673 (cited by Quest Diagnostics Nichols Institute San Juan Capistrano); PubMed 34302857 (cited by Quest Diagnostics Nichols Institute San Juan Capistrano).